The following is an entry in ClinVar:

NM_000256.3(MYBPC3):c.3544A>G (p.Ser1182Gly)

Gene: MYBPC3 (myosin binding protein C3; minus strand). Cytogenetic location: 11p11.2.
Variant type: single nucleotide variant.
Coding change: c.3544A>G on transcript NM_000256.3 (MANE Select); coding-DNA position 3544, A replaced by G.
Protein change: p.Ser1182Gly; replaces serine 1182 with glycine.
Molecular consequence: missense variant.
Genome position (GRCh38, 1-based): chr11:47,332,649, T>C on the plus strand (A>G on the coding strand, the complement: MYBPC3 is on the minus strand). VCF-style: chr11-47332649-T-C. GRCh37 (hg19) VCF-style: chr11-47354200-T-C.
Other names: c.3544A>G, p.Ser1182Gly (LRG_386t1); short protein forms S1182G.
Identifiers: ClinVar variation 571085 (VCV000571085.8), dbSNP rs1341188493, ClinGen allele CA380312634.

ClinVar aggregate classification (germline): Uncertain significance (1 of 4 stars; one submission).

Conditions:
Hypertrophic cardiomyopathy. Also called: HYPERTROPHIC MYOCARDIOPATHY. Identifiers: Orphanet 217569, MedGen C0007194, MeSH D002312, MONDO:0005045, HP:0001639.

Allele frequency attached by ClinVar (database versions not stated): gnomAD exomes below 0.00001.

Submission:

Labcorp Genetics (formerly Invitae), Labcorp
Classification: Uncertain significance for Hypertrophic cardiomyopathy. Last evaluated: 2024-02-10. Review status: criteria provided, single submitter. Criteria: Invitae Variant Classification Sherloc (09022015). Collection method: clinical testing. Allele origin: germline.
Comment: This sequence change replaces serine, which is neutral and polar, with glycine, which is neutral and non-polar, at codon 1182 of the MYBPC3 protein (p.Ser1182Gly). This variant is present in population databases (no rsID available, gnomAD 0.006%). This variant has not been reported in the literature in individuals affected with MYBPC3-related conditions. ClinVar contains an entry for this variant (Variation ID: 571085). An algorithm developed to predict the effect of missense changes on protein structure and function (PolyPhen-2) suggests that this variant is likely to be disruptive. In summary, the available evidence is currently insufficient to determine the role of this variant in disease. Therefore, it has been classified as a Variant of Uncertain Significance.